The following is an entry in ClinVar:

ClinVar aggregate classification (germline): Uncertain significance (1 of 4 stars; one submission).

Conditions:
Cenani-Lenz syndactyly syndrome. Also called: CENANI SYNDACTYLISM; SYNDACTYLY, TYPE VII. Identifiers: Orphanet 3258, MedGen C1859309, MONDO:0008931, OMIM 212780.
Congenital myasthenic syndrome 17. Identifiers: Orphanet 590, MedGen C4225377, MONDO:0014578, OMIM 616304.
Sclerosteosis 2 (SOST2). Identifiers: Orphanet 3152, MedGen C3280402, MONDO:0013679, OMIM 614305.

gnomAD v4.1: 2 of 1,614,060 alleles (0.00012%); highest among the groups gnomAD compares: Non-Finnish European, 0.000085%; no homozygotes.

Submission:

Labcorp Genetics (formerly Invitae), Labcorp
Classification: Uncertain significance for Cenani-Lenz syndactyly syndrome; Sclerosteosis 2; Congenital myasthenic syndrome 17. Last evaluated: 2024-04-10. Review status: criteria provided, single submitter. Criteria: Invitae Variant Classification Sherloc (09022015). Collection method: clinical testing. Allele origin: germline.
Comment: This sequence change replaces proline, which is neutral and non-polar, with serine, which is neutral and polar, at codon 818 of the LRP4 protein (p.Pro818Ser). This variant is not present in population databases (gnomAD no frequency). This variant has not been reported in the literature in individuals affected with LRP4-related conditions. Advanced modeling of protein sequence and biophysical properties (such as structural, functional, and spatial information, amino acid conservation, physicochemical variation, residue mobility, and thermodynamic stability) performed at Invitae indicates that this missense variant is not expected to disrupt LRP4 protein function with a negative predictive value of 80%. In summary, the available evidence is currently insufficient to determine the role of this variant in disease. Therefore, it has been classified as a Variant of Uncertain Significance.

NM_002334.4(LRP4):c.2452C>T (p.Pro818Ser)

Gene: LRP4 (LDL receptor related protein 4; minus strand). Cytogenetic location: 11p11.2.
Variant type: single nucleotide variant.
Coding change: c.2452C>T on transcript NM_002334.4 (MANE Select); coding-DNA position 2452, C replaced by T.
Protein change: p.Pro818Ser; replaces proline 818 with serine.
Molecular consequence: missense variant.
Genome position (GRCh38, 1-based): chr11:46,886,145, G>A on the plus strand (C>T on the coding strand, the complement: LRP4 is on the minus strand). VCF-style: chr11-46886145-G-A. GRCh37 (hg19) VCF-style: chr11-46907696-G-A.
Other names: short protein forms P818S.
Identifiers: ClinVar variation 3762690 (VCV003762690.2).